The following is an entry in ClinVar:

NM_002907.4(RECQL):c.1115T>G (p.Val372Gly)

Gene: RECQL (RecQ like helicase; minus strand). Cytogenetic location: 12p12.1.
Variant type: single nucleotide variant.
Coding change: c.1115T>G on transcript NM_002907.4 (MANE Select); coding-DNA position 1115, T replaced by G.
Protein change: p.Val372Gly; replaces valine 372 with glycine.
Molecular consequence: missense variant.
Genome position (GRCh38, 1-based): chr12:21,475,569, A>C on the plus strand (T>G on the coding strand, the complement: RECQL is on the minus strand). VCF-style: chr12-21475569-A-C. GRCh37 (hg19) VCF-style: chr12-21628503-A-C.
Other names: c.1115T>G, p.Val372Gly (NM_032941.3); short protein forms V372G.
Identifiers: ClinVar variation 1796229 (VCV001796229.2), dbSNP rs2540345189, ClinGen allele CA384120848.
Genomic context (GRCh38, chr12:21,475,569, plus strand): 5'-CTCATTGAATGATGGATAACAAACCTCACATCTGGCTTATCAATTCCCATACCAAATGCA[A>C]CAGTTGCCACTACTACCTGAAATATTTTAACATTTTATCAGTTAATTAAATCAAGTTTAA-3'
Protein context (NP_002898.2, residues 362-382): ANEIQVVVAT[Val372Gly]AFGMGIDKPD

ClinVar aggregate classification (germline): Uncertain significance (1 of 4 stars; one submission).

Allele frequency attached by ClinVar (database versions not stated): gnomAD exomes below 0.00001.
gnomAD v4.1: 1 of 1,612,300 alleles (0.000062%); highest among the groups gnomAD compares: South Asian, 0.0011%; no homozygotes.

Submission:

Ambry Genetics
Classification: Uncertain significance. Last evaluated: 2022-04-05. Review status: criteria provided, single submitter. Criteria: Ambry Variant Classification Scheme 2023. Collection method: clinical testing. Allele origin: germline.
Comment: The p.V372G variant (also known as c.1115T>G), located in coding exon 9 of the RECQL gene, results from a T to G substitution at nucleotide position 1115. The valine at codon 372 is replaced by glycine, an amino acid with dissimilar properties. This amino acid position is conserved. In addition, this alteration is predicted to be deleterious by in silico analysis. Since supporting evidence is limited at this time, the clinical significance of this alteration remains unclear.